The following is an entry in ClinVar:

NM_000051.4(ATM):c.4109+6T>G

Gene: ATM (ATM serine/threonine kinase; plus strand). Cytogenetic location: 11q22.3.
Variant type: single nucleotide variant.
Coding change: c.4109+6T>G on transcript NM_000051.4 (MANE Select); 6 bases into the intron after coding-DNA position 4109, T replaced by G.
Molecular consequence: intron variant.
Genome position (GRCh38, 1-based): chr11:108,287,721, T>G. VCF-style: chr11-108287721-T-G. GRCh37 (hg19) VCF-style: chr11-108158448-T-G.
Other names: c.4109+6T>G (NM_001351834.2).
Identifiers: ClinVar variation 453501 (VCV000453501.14), dbSNP rs368606937, ClinGen allele CA658656285.

ClinVar aggregate classification (germline): Uncertain significance. Review status: criteria provided, multiple submitters, no conflicts (2 of 4 stars). 3 submissions from 3 submitters: Uncertain significance (3). Last evaluated 2025-07-29.

Conditions:
Hereditary cancer-predisposing syndrome. Also called: Tumor predisposition; Hereditary Cancer Syndrome; Neoplastic Syndromes, Hereditary; Hereditary neoplastic syndrome. Identifiers: Orphanet 140162, MedGen C0027672, MeSH D009386, MONDO:0015356.
Familial cancer of breast. Also called: Hereditary breast cancer; hereditary breast carcinoma; BREAST CANCER, FAMILIAL. Identifiers: Orphanet 227535, MedGen C0346153, MONDO:0016419, OMIM 114480. Disease mechanism: loss of function.
Ataxia-telangiectasia syndrome (AT). Also called: Cerebello-oculocutaneous telangiectasia; Immunodeficiency with ataxia telangiectasia; Ataxia-telangiectasia, complementation group D; AT, COMPLEMENTATION GROUP C; Ataxia-telangiectasia, complementation group E; LOUIS-BAR SYNDROME. Identifiers: Orphanet 100, MedGen C0004135, MONDO:0008840, OMIM 208900.

Allele frequency attached by ClinVar (database versions not stated): TOPMed 0.00001.
gnomAD v4.1: 2 of 1,600,508 alleles (0.00012%); highest among the groups gnomAD compares: Non-Finnish European, 0.00017%; no homozygotes.

Submissions (3):

Labcorp Genetics (formerly Invitae), Labcorp
Classification: Uncertain significance for Ataxia-telangiectasia syndrome. Last evaluated: 2025-07-29. Review status: criteria provided, single submitter. Criteria: Invitae Variant Classification Sherloc (09022015). Collection method: clinical testing. Allele origin: germline.
Comment: This sequence change falls in intron 27 of the ATM gene. It does not directly change the encoded amino acid sequence of the ATM protein. It affects a nucleotide within the consensus splice site. This variant is not present in population databases (gnomAD no frequency). This variant has been observed in individual(s) with breast cancer (PMID: 30426508). ClinVar contains an entry for this variant (Variation ID: 453501). Variants that disrupt the consensus splice site are a relatively common cause of aberrant splicing (PMID: 17576681, 9536098). Algorithms developed to predict the effect of sequence changes on RNA splicing suggest that this variant may disrupt the consensus splice site. In summary, the available evidence is currently insufficient to determine the role of this variant in disease. Therefore, it has been classified as a Variant of Uncertain Significance.

Baylor Genetics
Classification: Uncertain significance for Familial cancer of breast. Last evaluated: 2024-02-06. Review status: criteria provided, single submitter. Criteria: ACMG Guidelines, 2015. Collection method: clinical testing. Allele origin: unknown.

Color Diagnostics, LLC DBA Color Health
Classification: Uncertain significance for Hereditary cancer-predisposing syndrome. Last evaluated: 2022-12-15. Review status: criteria provided, single submitter. Criteria: ACMG Guidelines, 2015. Collection method: clinical testing. Allele origin: germline.
Comment: This variant causes a T to G nucleotide substitution at the +6 position of intron 27 of the ATM gene. Functional studies of this variant using a minigene assay showed transcription of the full length product and some exon 27 skipping (PMID: 35716007). This variant has been reported in an individual affected with bilateral breast cancer; however, this individual also carried a pathogenic co-variant in PALB2 (PMID: 30426508). This variant has not been identified in the general population by the Genome Aggregation Database (gnomAD). The available evidence is insufficient to determine the role of this variant in disease conclusively. Therefore, this variant is classified as a Variant of Uncertain Significance.

Literature cited by the submitters: PubMed 30426508 (cited by Labcorp Genetics (formerly Invitae), Labcorp and Color Diagnostics, LLC DBA Color Health); PubMed 17576681 (cited by Labcorp Genetics (formerly Invitae), Labcorp); PubMed 9536098 (cited by Labcorp Genetics (formerly Invitae), Labcorp); PubMed 35716007 (cited by Color Diagnostics, LLC DBA Color Health).